The following is an entry in ClinVar:

NM_001385012.1(NBEA):c.3784T>G (p.Ser1262Ala)

Gene: NBEA (neurobeachin; plus strand). Cytogenetic location: 13q13.3.
Variant type: single nucleotide variant.
Coding change: c.3784T>G on transcript NM_001385012.1 (MANE Select); coding-DNA position 3784, T replaced by G.
Protein change: p.Ser1262Ala; replaces serine 1262 with alanine.
Molecular consequence: missense variant.
Genome position (GRCh38, 1-based): chr13:35,159,955, T>G. VCF-style: chr13-35159955-T-G. GRCh37 (hg19) VCF-style: chr13-35734092-T-G.
Other names: c.3784T>G, p.Ser1262Ala (NM_001379245.1, NM_015678.5); short protein forms S1262A.
Identifiers: ClinVar variation 3900154 (VCV003900154.1).

ClinVar aggregate classification (germline): Uncertain significance (1 of 4 stars; one submission).

Submission:

GeneDx
Classification: Uncertain significance. Last evaluated: 2024-11-24. Review status: criteria provided, single submitter. Criteria: GeneDx Variant Classification Process June 2021. Collection method: clinical testing. Allele origin: germline. Affected: yes.
Comment: Not observed at significant frequency in large population cohorts (gnomAD); In silico analysis indicates that this missense variant does not alter protein structure/function; Has not been previously published as pathogenic or benign to our knowledge